The following is an entry in ClinVar:

NM_001111.5(ADAR):c.3188A>G (p.Lys1063Arg)

Gene: ADAR (adenosine deaminase RNA specific; minus strand). Cytogenetic location: 1q21.3.
Variant type: single nucleotide variant.
Coding change: c.3188A>G on transcript NM_001111.5 (MANE Select); coding-DNA position 3188, A replaced by G.
Protein change: p.Lys1063Arg; replaces lysine 1063 with arginine.
Molecular consequence: missense variant.
Genome position (GRCh38, 1-based): chr1:154,586,195, T>C on the plus strand (A>G on the coding strand, the complement: ADAR is on the minus strand). VCF-style: chr1-154586195-T-C. GRCh37 (hg19) VCF-style: chr1-154558671-T-C.
Other names: c.2303A>G, p.Lys768Arg (NM_001025107.3, NM_001193495.2, NM_001365046.1 and 2 more transcripts); c.3215A>G, p.Lys1072Arg (NM_001365045.1); c.2225A>G, p.Lys742Arg (NM_001365049.1); c.3110A>G, p.Lys1037Arg (NM_015840.4); c.3053A>G, p.Lys1018Arg (NM_015841.4); short protein forms K1063R, K768R, K1037R, K1072R, K1018R, K742R.
Identifiers: ClinVar variation 2949594 (VCV002949594.3), dbSNP rs2101565882, ClinGen allele CA342635542.
Genomic context (GRCh38, chr1:154,586,195, plus strand): 5'-CACAAGAAGGACAGACCAGTTCCAGATCCCAAGGCAGGCCCCTTACCCAATGTGACAGAT[T>C]TGAGATAAATGGGCTGCAGGAAGTGGGTCAACAGTGCCCCTTGCAGGCCCAGCACGTTCC-3'
Protein context (NP_001102.3, residues 1053-1073): LTHFLQPIYL[Lys1063Arg]SVTLGYLFSQ

ClinVar aggregate classification (germline): Uncertain significance (1 of 4 stars; one submission).

Conditions:
Symmetrical dyschromatosis of extremities (DSH). Also called: DYSCHROMATOSIS SYMMETRICA HEREDITARIA 1; RETICULATE ACROPIGMENTATION OF DOHI; SYMMETRIC DYSCHROMATOSIS OF THE EXTREMITIES; Dyschromatosis symmetrica hereditaria. Identifiers: Orphanet 41, MedGen C0406775, MONDO:0007483, OMIM 127400.
Aicardi-Goutieres syndrome 6 (AGS6). Identifiers: Orphanet 51, MedGen C3539013, MONDO:0014007, OMIM 615010.

Allele frequency attached by ClinVar (database versions not stated): gnomAD exomes below 0.00001.
gnomAD v4.1: 1 of 1,614,088 alleles (0.000062%); highest among the groups gnomAD compares: Non-Finnish European, 0.000085%; no homozygotes.

Submission:

Labcorp Genetics (formerly Invitae), Labcorp
Classification: Uncertain significance for Aicardi-Goutieres syndrome 6; Symmetrical dyschromatosis of extremities. Last evaluated: 2023-08-19. Review status: criteria provided, single submitter. Criteria: Invitae Variant Classification Sherloc (09022015). Collection method: clinical testing. Allele origin: germline.
Comment: In summary, the available evidence is currently insufficient to determine the role of this variant in disease. Therefore, it has been classified as a Variant of Uncertain Significance. Advanced modeling of protein sequence and biophysical properties (such as structural, functional, and spatial information, amino acid conservation, physicochemical variation, residue mobility, and thermodynamic stability) performed at Invitae indicates that this missense variant is not expected to disrupt ADAR protein function. This variant has not been reported in the literature in individuals affected with ADAR-related conditions. This variant is not present in population databases (gnomAD no frequency). This sequence change replaces lysine, which is basic and polar, with arginine, which is basic and polar, at codon 1063 of the ADAR protein (p.Lys1063Arg).